The following is an entry in ClinVar:

ClinVar aggregate classification (germline): Uncertain significance (1 of 4 stars; one submission).

Conditions:
Hereditary cancer-predisposing syndrome. Also called: Neoplastic Syndromes, Hereditary; Tumor predisposition; Hereditary neoplastic syndrome; Hereditary Cancer Syndrome. Identifiers: Orphanet 140162, MedGen C0027672, MeSH D009386, MONDO:0015356.

Allele frequency attached by ClinVar (database versions not stated): gnomAD exomes below 0.00001.

Submission:

Ambry Genetics
Classification: Uncertain significance for Hereditary cancer-predisposing syndrome. Last evaluated: 2022-11-18. Review status: criteria provided, single submitter. Criteria: Ambry Variant Classification Scheme 2023. Collection method: clinical testing. Allele origin: germline.
Comment: The p.L88F variant (also known as c.262C>T), located in coding exon 3 of the EPCAM gene, results from a C to T substitution at nucleotide position 262. The leucine at codon 88 is replaced by phenylalanine, an amino acid with highly similar properties. This amino acid position is conserved. In addition, this alteration is predicted to be tolerated by in silico analysis. Since supporting evidence is limited at this time, the clinical significance of this alteration remains unclear.

NM_002354.3(EPCAM):c.262C>T (p.Leu88Phe)

Gene: EPCAM (epithelial cell adhesion molecule; plus strand). Cytogenetic location: 2p21.
Variant type: single nucleotide variant.
Coding change: c.262C>T on transcript NM_002354.3 (MANE Select); coding-DNA position 262, C replaced by T.
Protein change: p.Leu88Phe; replaces leucine 88 with phenylalanine.
Molecular consequence: missense variant.
Genome position (GRCh38, 1-based): chr2:47,373,885, C>T. VCF-style: chr2-47373885-C-T. GRCh37 (hg19) VCF-style: chr2-47601024-C-T.
Other names: short protein forms L88F.
Identifiers: ClinVar variation 2452152 (VCV002452152.2), dbSNP rs1671350837, ClinGen allele CA346722969.